The following is an entry in ClinVar:

ClinVar aggregate classification (germline): Uncertain significance (1 of 4 stars; one submission).

Submission:

Labcorp Genetics (formerly Invitae), Labcorp
Classification: Uncertain significance. Last evaluated: 2023-07-17. Review status: criteria provided, single submitter. Criteria: Invitae Variant Classification Sherloc (09022015). Collection method: clinical testing. Allele origin: germline.
Comment: In summary, the available evidence is currently insufficient to determine the role of this variant in disease. Therefore, it has been classified as a Variant of Uncertain Significance. Experimental studies and prediction algorithms are not available or were not evaluated, and the functional significance of this variant is currently unknown. ClinVar contains an entry for this variant (Variation ID: 1492399). This variant has not been reported in the literature in individuals affected with IL6ST-related conditions. This variant is not present in population databases (gnomAD no frequency). This variant, c.1589_1591del, results in the deletion of 1 amino acid(s) of the IL6ST protein (p.Val530del), but otherwise preserves the integrity of the reading frame.

NM_002184.4(IL6ST):c.1589_1591del (p.Val530del)

Gene: IL6ST (interleukin 6 cytokine family signal transducer; minus strand). Cytogenetic location: 5q11.2.
Variant type: Deletion.
Coding change: c.1589_1591del on transcript NM_002184.4 (MANE Select); coding-DNA positions 1589 to 1591, 3 bases deleted (TAG; older notation c.1589_1591delTAG).
Protein change: p.Val530del; deletes valine 530.
Molecular consequence: inframe deletion. On other transcripts: 3 prime UTR variant (1), non-coding transcript variant (2).
Genome position (GRCh38, 1-based): chr5:55,952,037-55,952,039, CTA deleted on the plus strand (TAG on the coding strand, the reverse complement: IL6ST is on the minus strand); deleting any 3 consecutive bases within chr5:55,952,037-55,952,041 gives the same sequence; the c. name uses the placement nearest the transcript's 3' end. VCF-style (leftmost placement, unchanged base first): chr5-55952036-CCTA-C. GRCh37 (hg19) VCF-style: chr5-55247864-CCTA-C.
Other names: c.1406_1408del, p.Val469del (NM_001190981.2); c.1487_1489del, p.Val496del (NM_001364275.2); c.1379_1381del, p.Val460del (NM_001364276.2); c.722_724del, p.Val241del (NM_001364277.2); c.686_688del, p.Val229del (NM_001364278.2); c.593_595del, p.Val198del (NM_001364279.2); c.*516_*518del (NM_175767.3); short protein forms V241del, V469del, V460del, V229del, V530del, V198del, V496del.
Identifiers: ClinVar variation 1492399 (VCV001492399.8), dbSNP rs1751665376, ClinGen allele CA1547713770.